The following is an entry in ClinVar:

NM_025136.4(OPA3):c.143-1G>A

Genes: OPA3 (outer mitochondrial membrane lipid metabolism regulator OPA3; minus strand), OPA3-RTN2 (OPA3-RTN2 readthrough; minus strand). Cytogenetic location: 19q13.32.
Variant type: single nucleotide variant.
Coding change: c.143-1G>A on transcript NM_025136.4 (MANE Select); the canonical splice acceptor site of the intron before coding-DNA position 143, G replaced by A.
Molecular consequence: splice acceptor variant. On other transcripts: intron variant (1).
Genome position (GRCh38, 1-based): chr19:45,553,912, C>T on the plus strand (G>A on the coding strand, the complement: OPA3 is on the minus strand). VCF-style: chr19-45553912-C-T. GRCh37 (hg19) VCF-style: chr19-46057170-C-T.
Other names: c.143-24456G>A (NM_001017989.3).
Identifiers: ClinVar variation 1727235 (VCV001727235.4), dbSNP rs80356523, ClinGen allele CA406371461.

ClinVar aggregate classification (germline): Pathogenic. Review status: criteria provided, multiple submitters, no conflicts (2 of 4 stars). 2 submissions from 2 submitters: Pathogenic (2). Last evaluated 2023-08-28.

Conditions:
Optic atrophy 3 (OPA3). Also called: OPTIC ATROPHY 3, AUTOSOMAL DOMINANT; Optic atrophy, cataract, and neurologic disorder; Optic atrophy 3 with cataract. Identifiers: Orphanet 67036, MedGen C1833809, MONDO:0008133, OMIM 165300.
3-Methylglutaconic aciduria type 3 (MGCA3). Also called: OPA3, AUTOSOMAL RECESSIVE; OPTIC ATROPHY 3, AUTOSOMAL RECESSIVE; OPA3-Related 3-Methylglutaconic Aciduria; Costeff Syndrome. Identifiers: Orphanet 67047, MedGen C0574084, MONDO:0009787, OMIM 258501.

Submissions (2):

Labcorp Genetics (formerly Invitae), Labcorp
Classification: Pathogenic for 3-Methylglutaconic aciduria type 3; Optic atrophy 3. Last evaluated: 2023-08-28. Review status: criteria provided, single submitter. Criteria: Invitae Variant Classification Sherloc (09022015). Collection method: clinical testing. Allele origin: germline.
Comment: Variants that disrupt the consensus splice site are a relatively common cause of aberrant splicing (PMID: 17576681, 9536098). Algorithms developed to predict the effect of sequence changes on RNA splicing suggest that this variant may disrupt the consensus splice site. For these reasons, this variant has been classified as Pathogenic. ClinVar contains an entry for this variant (Variation ID: 1727235). This sequence change affects an acceptor splice site in intron 1 of the OPA3 gene. While this variant is not anticipated to result in nonsense mediated decay, it likely alters RNA splicing and results in a disrupted protein product. This variant is not present in population databases (gnomAD no frequency). Disruption of this splice site has been observed in individuals with 3-methylglutaconic aciduria (PMID: 11668429, 25201222, 26190011).

Suma Genomics
Classification: Pathogenic for 3-Methylglutaconic aciduria type 3. Review status: criteria provided, single submitter. Criteria: ACMG Guidelines, 2015. Collection method: clinical testing. Allele origin: unknown. Inheritance: Autosomal recessive inheritance. Affected: yes.

Literature cited by the submitters: PubMed 17576681 (cited by Labcorp Genetics (formerly Invitae), Labcorp); PubMed 9536098 (cited by Labcorp Genetics (formerly Invitae), Labcorp); PubMed 11668429 (cited by Labcorp Genetics (formerly Invitae), Labcorp); PubMed 25201222 (cited by Labcorp Genetics (formerly Invitae), Labcorp); PubMed 26190011 (cited by Labcorp Genetics (formerly Invitae), Labcorp).